The following is an entry in ClinVar:

ClinVar aggregate classification (germline): Likely pathogenic (1 of 4 stars; one submission).

Conditions:
NAGLU-related disorder. Also called: NAGLU-related condition.

Allele frequency attached by ClinVar (database versions not stated): gnomAD exomes below 0.00001.
gnomAD v4.1: 1 of 1,614,220 alleles (0.000062%); highest among the groups gnomAD compares: African/African-American, 0.0013%; no homozygotes.

Submission:

PreventionGenetics, part of Exact Sciences
Classification: Likely pathogenic for NAGLU-related condition. Last evaluated: 2023-06-21. Review status: criteria provided, single submitter. Criteria: ACMG Guidelines, 2015. Collection method: clinical testing. Allele origin: germline.
Comment: The NAGLU c.397C>T variant is predicted to result in premature protein termination (p.Gln133*). To our knowledge, this variant has not been reported in the literature or in a large population database, indicating this variant is rare. Nonsense variants in NAGLU are expected to be pathogenic. This variant is interpreted as likely pathogenic.

NM_000263.4(NAGLU):c.397C>T (p.Gln133Ter)

Gene: NAGLU (N-acetyl-alpha-glucosaminidase; plus strand). Cytogenetic location: 17q21.2.
Variant type: single nucleotide variant.
Coding change: c.397C>T on transcript NM_000263.4 (MANE Select); coding-DNA position 397, C replaced by T.
Protein change: p.Gln133Ter; replaces glutamine 133 with a stop codon.
Molecular consequence: nonsense.
Genome position (GRCh38, 1-based): chr17:42,537,411, C>T. VCF-style: chr17-42537411-C-T. GRCh37 (hg19) VCF-style: chr17-40689429-C-T.
Other names: short protein forms Q133*.
Identifiers: ClinVar variation 2629375 (VCV002629375.1), dbSNP rs2510652026, ClinGen allele CA399597955.
Genomic context (GRCh38, chr17:42,537,411, plus strand): 5'-GGACCCTCCAGGGTGGGATGCGCCCCTGCTCATGACACTGCCCGCAGGTACCGCTATTAC[C>T]AGAATGTGTGCACGCAAAGCTACTCTTTCGTGTGGTGGGACTGGGCCCGCTGGGAGCGAG-3'